The following is an entry in ClinVar:

ClinVar aggregate classification (germline): Uncertain significance. Review status: criteria provided, multiple submitters, no conflicts (2 of 4 stars). 2 submissions from 2 submitters: Uncertain significance (2). Last evaluated 2025-07-02.

Conditions:
Autosomal recessive limb-girdle muscular dystrophy type 2J (LGMDR10). Also called: Limb-girdle muscular dystrophy, type 2J; MUSCULAR DYSTROPHY, LIMB-GIRDLE, AUTOSOMAL RECESSIVE 10. Identifiers: Orphanet 140922, MedGen C1837342, MONDO:0012127, OMIM 608807.
Dilated cardiomyopathy 1G (CMD1G). Identifiers: Orphanet 154, MedGen C1858763, MONDO:0011400, OMIM 604145.
TTN-related disorder. Also called: TTN-related condition; TTN-related disease; TTN-related disorders.

Allele frequency attached by ClinVar (database versions not stated): gnomAD 0.00001; TOPMed 0.00001.
gnomAD v4.1: 3 of 1,613,872 alleles (0.00019%); highest among the groups gnomAD compares: African/African-American, 0.004%; no homozygotes.

Submissions (2):

Labcorp Genetics (formerly Invitae), Labcorp
Classification: Uncertain significance for Dilated cardiomyopathy 1G; Autosomal recessive limb-girdle muscular dystrophy type 2J. Last evaluated: 2025-07-02. Review status: criteria provided, single submitter. Criteria: Invitae Variant Classification Sherloc (09022015). Collection method: clinical testing. Allele origin: germline.
Comment: This sequence change replaces serine, which is neutral and polar, with cysteine, which is neutral and slightly polar, at codon 35352 of the TTN protein (p.Ser35352Cys). This variant is present in population databases (no rsID available, gnomAD 0.008%). This variant has not been reported in the literature in individuals affected with TTN-related conditions. ClinVar contains an entry for this variant (Variation ID: 851369). Experimental studies and prediction algorithms are not available or were not evaluated, and the functional significance of this variant is currently unknown. This variant is located in the M band of TTN (PMID: 25589632). Non-truncating variants in this region may be relevant for neuromuscular disorders, but have not been definitively shown to cause cardiomyopathy (PMID: 23975875). In summary, the available evidence is currently insufficient to determine the role of this variant in disease. Therefore, it has been classified as a Variant of Uncertain Significance.

PreventionGenetics, part of Exact Sciences
Classification: Uncertain significance for TTN-related condition. Last evaluated: 2025-05-29. Review status: criteria provided, single submitter. Criteria: ACMG Guidelines, 2015. Collection method: clinical testing. Allele origin: germline.
Comment: The TTN c.106055C>G variant is predicted to result in the amino acid substitution p.Ser35352Cys. To our knowledge, this variant has not been reported in the literature. This variant is reported in 0.0083% of alleles in individuals of African descent in gnomAD. At this time, the clinical significance of this variant is uncertain due to the absence of conclusive functional and genetic evidence.

Literature cited by the submitters: PubMed 25589632 (cited by Labcorp Genetics (formerly Invitae), Labcorp); PubMed 23975875 (cited by Labcorp Genetics (formerly Invitae), Labcorp).

NM_001267550.2(TTN):c.106055C>G (p.Ser35352Cys)

Genes: TTN (titin; minus strand), TTN-AS1 (TTN antisense RNA 1; plus strand), LOC129935182 (ATAC-STARR-seq lymphoblastoid active region 16807; plus strand). Cytogenetic location: 2q31.2.
Variant type: single nucleotide variant.
Coding change: c.106055C>G on transcript NM_001267550.2 (MANE Select); coding-DNA position 106055, C replaced by G.
Protein change: p.Ser35352Cys; replaces serine 35352 with cysteine.
Molecular consequence: missense variant.
Genome position (GRCh38, 1-based): chr2:178,530,560, G>C on the plus strand (C>G on the coding strand, the complement: TTN is on the minus strand). VCF-style: chr2-178530560-G-C. GRCh37 (hg19) VCF-style: chr2-179395287-G-C.
Other names: c.101132C>G, p.Ser33711Cys (NM_001256850.1); c.78860C>G, p.Ser26287Cys (NM_003319.4); c.98351C>G, p.Ser32784Cys (NM_133378.4); c.79235C>G, p.Ser26412Cys (NM_133432.3); c.79436C>G, p.Ser26479Cys (NM_133437.4); short protein forms S35352C, S26287C, S26412C, S26479C, S33711C, S32784C.
Identifiers: ClinVar variation 851369 (VCV000851369.9), dbSNP rs746512551, ClinGen allele CA60953460.